The following is an entry in ClinVar:

ClinVar aggregate classification (germline): Uncertain significance (1 of 4 stars; one submission).

Allele frequency attached by ClinVar (database versions not stated): TOPMed 0.00006.

Submission:

Ambry Genetics
Classification: Uncertain significance. Last evaluated: 2023-11-16. Review status: criteria provided, single submitter. Criteria: Ambry Variant Classification Scheme 2023. Collection method: clinical testing. Allele origin: germline.
Comment: The p.P53Q variant (also known as c.158C>A), located in coding exon 1 of the GALNT12 gene, results from a C to A substitution at nucleotide position 158. The proline at codon 53 is replaced by glutamine, an amino acid with similar properties. This amino acid position is poorly conserved in available vertebrate species. In addition, this alteration is predicted to be tolerated by in silico analysis. Since supporting evidence is limited at this time, the clinical significance of this alteration remains unclear.

NM_024642.5(GALNT12):c.158C>A (p.Pro53Gln)

Gene: GALNT12 (polypeptide N-acetylgalactosaminyltransferase 12; plus strand). Cytogenetic location: 9q22.33.
Variant type: single nucleotide variant.
Coding change: c.158C>A on transcript NM_024642.5 (MANE Select); coding-DNA position 158, C replaced by A.
Protein change: p.Pro53Gln; replaces proline 53 with glutamine.
Molecular consequence: missense variant.
Genome position (GRCh38, 1-based): chr9:98,807,856, C>A. VCF-style: chr9-98807856-C-A. GRCh37 (hg19) VCF-style: chr9-101570138-C-A.
Other names: short protein forms P53Q.
Identifiers: ClinVar variation 819557 (VCV000819557.4), dbSNP rs1209537944, ClinGen allele CA374222426.
Genomic context (GRCh38, chr9:98,807,856, plus strand): 5'-TGGGCTCGGTGCTGCGGGCGCAGCGTGGGGCCGGGGCCGGGGCTGCCGAGCCGGGACCCC[C>A]GCGCACCCCGCGCCCCGGGCGGCGCGAGCCGGTCATGCCGCGGCCGCCGGTGCCGGCGAA-3'
Protein context (NP_078918.3, residues 43-63): AGAGAAEPGP[Pro53Gln]RTPRPGRREP